The following is an entry in ClinVar:

ClinVar aggregate classification (germline): Uncertain significance (1 of 4 stars; one submission).

Conditions:
Catecholaminergic polymorphic ventricular tachycardia 1. Also called: VENTRICULAR TACHYCARDIA, STRESS-INDUCED POLYMORPHIC 1; VENTRICULAR TACHYCARDIA, CATECHOLAMINERGIC POLYMORPHIC, 1, WITH OR WITHOUT ATRIAL DYSFUNCTION AND/OR DILATED CARDIOMYOPATHY; RYR2-Related Catecholaminergic Polymorphic Ventricular Tachycardia. Identifiers: Orphanet 3286, MedGen C1631597, MONDO:0011484, OMIM 604772.

Allele frequency attached by ClinVar (database versions not stated): gnomAD exomes below 0.00001.
gnomAD v4.1: 1 of 1,613,748 alleles (0.000062%); highest among the groups gnomAD compares: Middle Eastern, 0.016%; no homozygotes.

Submission:

Labcorp Genetics (formerly Invitae), Labcorp
Classification: Uncertain significance for Catecholaminergic polymorphic ventricular tachycardia 1. Last evaluated: 2023-12-25. Review status: criteria provided, single submitter. Criteria: Invitae Variant Classification Sherloc (09022015). Collection method: clinical testing. Allele origin: germline.
Comment: This sequence change replaces glutamic acid, which is acidic and polar, with lysine, which is basic and polar, at codon 4089 of the RYR2 protein (p.Glu4089Lys). This variant is not present in population databases (gnomAD no frequency). This variant has not been reported in the literature in individuals affected with RYR2-related conditions. Advanced modeling of protein sequence and biophysical properties (such as structural, functional, and spatial information, amino acid conservation, physicochemical variation, residue mobility, and thermodynamic stability) has been performed at Invitae for this missense variant, however the output from this modeling did not meet the statistical confidence thresholds required to predict the impact of this variant on RYR2 protein function. In summary, the available evidence is currently insufficient to determine the role of this variant in disease. Therefore, it has been classified as a Variant of Uncertain Significance.

NM_001035.3(RYR2):c.12265G>A (p.Glu4089Lys)

Gene: RYR2 (ryanodine receptor 2; plus strand). Cytogenetic location: 1q43.
Variant type: single nucleotide variant.
Coding change: c.12265G>A on transcript NM_001035.3 (MANE Select); coding-DNA position 12265, G replaced by A.
Protein change: p.Glu4089Lys; replaces glutamic acid 4089 with lysine.
Molecular consequence: missense variant.
Genome position (GRCh38, 1-based): chr1:237,783,977, G>A. VCF-style: chr1-237783977-G-A. GRCh37 (hg19) VCF-style: chr1-237947277-G-A.
Other names: short protein forms E4089K.
Identifiers: ClinVar variation 2791954 (VCV002791954.3), dbSNP rs1018932561, ClinGen allele CA345412843.